The following is an entry in ClinVar:

ClinVar aggregate classification (germline): Uncertain significance. Review status: criteria provided, multiple submitters, no conflicts (2 of 4 stars). 4 submissions from 4 submitters: Uncertain significance (4). Last evaluated 2025-05-03.

Conditions:
Hypertrophic cardiomyopathy 14. Identifiers: MedGen C2750467, MONDO:0013197, OMIM 613251.
Cardiovascular phenotype. Identifiers: MedGen CN230736.

Allele frequency attached by ClinVar (database versions not stated): gnomAD exomes 0.00001; TOPMed below 0.00001; ExAC 0.00001; gnomAD 0.00001.
gnomAD v4.1: 4 of 1,614,008 alleles (0.00025%); highest among the groups gnomAD compares: Admixed American, 0.0067%; no homozygotes.

Submissions (4):

Ambry Genetics
Classification: Uncertain significance for Cardiovascular phenotype. Last evaluated: 2025-05-03. Review status: criteria provided, single submitter. Criteria: Ambry Variant Classification Scheme 2023. Collection method: clinical testing. Allele origin: germline.
Comment: The p.L595Q variant (also known as c.1784T>A), located in coding exon 13 of the MYH6 gene, results from a T to A substitution at nucleotide position 1784. The leucine at codon 595 is replaced by glutamine, an amino acid with dissimilar properties. This amino acid position is conserved. In addition, this alteration is predicted to be deleterious by in silico analysis. Based on the available evidence, the clinical significance of this variant remains unclear.

Labcorp Genetics (formerly Invitae), Labcorp
Classification: Uncertain significance for Hypertrophic cardiomyopathy 14. Last evaluated: 2024-12-03. Review status: criteria provided, single submitter. Criteria: Invitae Variant Classification Sherloc (09022015). Collection method: clinical testing. Allele origin: germline.
Comment: This sequence change replaces leucine, which is neutral and non-polar, with glutamine, which is neutral and polar, at codon 595 of the MYH6 protein (p.Leu595Gln). This variant is present in population databases (rs751418733, gnomAD 0.009%). This variant has not been reported in the literature in individuals affected with MYH6-related conditions. ClinVar contains an entry for this variant (Variation ID: 451321). Invitae Evidence Modeling of protein sequence and biophysical properties (such as structural, functional, and spatial information, amino acid conservation, physicochemical variation, residue mobility, and thermodynamic stability) indicates that this missense variant is expected to disrupt MYH6 protein function with a positive predictive value of 80%. In summary, the available evidence is currently insufficient to determine the role of this variant in disease. Therefore, it has been classified as a Variant of Uncertain Significance.

Stanford Center for Inherited Cardiovascular Disease, Stanford University
Classification: Uncertain significance. Last evaluated: 2017-10-19. Review status: criteria provided, single submitter. Criteria: ACMG Guidelines, 2015. Collection method: provider interpretation. Allele origin: germline.

GeneDx
Classification: Uncertain significance. Last evaluated: 2017-08-14. Review status: criteria provided, single submitter. Criteria: GeneDx Variant Classification (06012015). Collection method: clinical testing. Allele origin: germline. Affected: yes.
Comment: A variant of uncertain significance has been identified in the MYH6 gene. The L595Q variant has not been published as pathogenic or been reported as benign to our knowledge. The L595Q variant is not observed at a significant frequency in large population cohorts (Lek et al., 2016; 1000 Genomes Consortium et al., 2015; Exome Variant Server). The L595Q variant is a non-conservative amino acid substitution, which is likely to impact secondary protein structure as these residues differ in polarity, charge, size and/or other properties. Furthermore, this substitution occurs at a position that is conserved across species and in silico analysis predicts this variant is probably damaging to the protein structure/function. Nevertheless, no missense variants in nearby residues have been reported in the Human Gene Mutation Database in association with cardiomyopathy (Stenson et al., 2014).

NM_002471.4(MYH6):c.1784T>A (p.Leu595Gln)

Gene: MYH6 (myosin heavy chain 6; minus strand). Cytogenetic location: 14q11.2.
Variant type: single nucleotide variant.
Coding change: c.1784T>A on transcript NM_002471.4 (MANE Select); coding-DNA position 1784, T replaced by A.
Protein change: p.Leu595Gln; replaces leucine 595 with glutamine.
Molecular consequence: missense variant.
Genome position (GRCh38, 1-based): chr14:23,398,835, A>T on the plus strand (T>A on the coding strand, the complement: MYH6 is on the minus strand). VCF-style: chr14-23398835-A-T. GRCh37 (hg19) VCF-style: chr14-23868044-A-T.
Other names: short protein forms L595Q.
Identifiers: ClinVar variation 451321 (VCV000451321.7), dbSNP rs751418733, ClinGen allele CA7115713.
Genomic context (GRCh38, chr14:23,398,835, plus strand): 5'-AGGGAGGACTTCTGGTACAGGGCCACAACAGTCTCGTTGAGAGGATCCTTGTTTTTTTCC[A>T]GCCAGCCCAGGATGTTGTAGTCCACAGTGCCGGCGTAGTGGATCAGGGAGAAGTGGGCTT-3'
Protein context (NP_002462.2, residues 585-605): GTVDYNILGW[Leu595Gln]EKNKDPLNET